The following is an entry in ClinVar:

ClinVar aggregate classification (germline): Uncertain significance (1 of 4 stars; one submission).

Conditions:
Inborn genetic diseases. Identifiers: MedGen C0950123, MeSH D030342.

Submission:

Ambry Genetics
Classification: Uncertain significance for Inborn genetic diseases. Last evaluated: 2024-10-13. Review status: criteria provided, single submitter. Criteria: Ambry Variant Classification Scheme 2023. Collection method: clinical testing. Allele origin: germline.
Comment: The p.A553V variant (also known as c.1658C>T), located in coding exon 14 of the BUB1B gene, results from a C to T substitution at nucleotide position 1658. The alanine at codon 553 is replaced by valine, an amino acid with similar properties. This amino acid position is conserved. In addition, this alteration is predicted to be tolerated by in silico analysis. Based on the available evidence, the clinical significance of this variant remains unclear.

NM_001211.6(BUB1B):c.1658C>T (p.Ala553Val)

Gene: BUB1B (BUB1 mitotic checkpoint serine/threonine kinase B; plus strand). Cytogenetic location: 15q15.1.
Variant type: single nucleotide variant.
Coding change: c.1658C>T on transcript NM_001211.6 (MANE Select); coding-DNA position 1658, C replaced by T.
Protein change: p.Ala553Val; replaces alanine 553 with valine.
Molecular consequence: missense variant.
Genome position (GRCh38, 1-based): chr15:40,202,618, C>T. VCF-style: chr15-40202618-C-T. GRCh37 (hg19) VCF-style: chr15-40494819-C-T.
Other names: short protein forms A553V.
Identifiers: ClinVar variation 3483213 (VCV003483213.1).